The following is an entry in ClinVar:

ClinVar aggregate classification (germline): Benign (1 of 4 stars; one submission).

Conditions:
Sessile serrated polyposis cancer syndrome (SSPCS). Identifiers: Orphanet 157798, MedGen C4310714, MONDO:0014919, OMIM 617108.

Submission:

Myriad Genetics, Inc.
Classification: Benign for Sessile serrated polyposis cancer syndrome. Last evaluated: 2026-07-01. Review status: criteria provided, single submitter. Criteria: Myriad Autosomal Dominant, Autosomal Recessive and X-Linked Classification Criteria (2023). Collection method: clinical testing. Allele origin: unknown.
Comment: This variant is considered benign. This variant is a silent/synonymous amino acid change and it is not expected to impact splicing.

NM_017763.6(RNF43):c.1362C>T (p.Arg454=)

Gene: RNF43 (ring finger protein 43; minus strand). Cytogenetic location: 17q22.
Variant type: single nucleotide variant.
Coding change: c.1362C>T on transcript NM_017763.6 (MANE Select); coding-DNA position 1362, C replaced by T.
Protein change: p.Arg454=; no amino-acid change (arginine 454 retained).
Molecular consequence: synonymous variant.
Genome position (GRCh38, 1-based): chr17:58,358,414, G>A on the plus strand (C>T on the coding strand, the complement: RNF43 is on the minus strand). VCF-style: chr17-58358414-G-A. GRCh37 (hg19) VCF-style: chr17-56435775-G-A.
Other names: c.1362C>T, p.Arg454= (NM_001305544.3, NM_001438820.1, NM_001438821.1 and 1 more transcripts); c.981C>T, p.Arg327= (NM_001305545.2, NM_001437987.1).
Identifiers: ClinVar variation 5042366 (VCV005042366.1).
Genomic context (GRCh38, chr17:58,358,414, plus strand): 5'-AGAGCCATGACAGGGCCCTGAGCTGGAGTCACTGGCTGGCCCATCTGCCAGGTACCCACT[G>A]CGTTCTGTGCAATAGCTTTCTCCAGATCCACTGCTGTCAGGGGGCCTGGCCCGGCGTAGG-3'
Protein context (NP_060233.3, residues 444-464): SGSGESYCTE[Arg454=]SGYLADGPAS